The following is an entry in ClinVar:

NM_006531.5(IFT88):c.2086C>T (p.Arg696Cys)

Gene: IFT88 (intraflagellar transport 88; plus strand). Cytogenetic location: 13q12.11.
Variant type: single nucleotide variant.
Coding change: c.2086C>T on transcript NM_006531.5 (MANE Select); coding-DNA position 2086, C replaced by T.
Protein change: p.Arg696Cys; replaces arginine 696 with cysteine.
Molecular consequence: missense variant. On other transcripts: non-coding transcript variant (5).
Genome position (GRCh38, 1-based): chr13:20,663,515, C>T. VCF-style: chr13-20663515-C-T. GRCh37 (hg19) VCF-style: chr13-21237654-C-T.
Other names: c.2113C>T, p.Arg705Cys (NM_001353565.2, NM_001353566.2, NM_001353567.2 and 2 more transcripts); c.2086C>T, p.Arg696Cys (NM_001353568.2, NM_001353572.2); c.2011C>T, p.Arg671Cys (NM_001353569.2, NM_001353570.2, NM_001353576.2 and 1 more transcripts); c.1984C>T, p.Arg662Cys (NM_001353571.2, NM_001353578.2); c.1942C>T, p.Arg648Cys (NM_001353573.2); c.1927C>T, p.Arg643Cys (NM_001353574.2); c.2153C>T, p.Ser718Leu (NM_001353575.2); c.1453C>T, p.Arg485Cys (NM_001353579.2); and 2 more; short protein forms R485C, R671C, R705C, S718L, R677C, R643C, R662C, R696C.
Identifiers: ClinVar variation 2074192 (VCV002074192.5), dbSNP rs748181737, ClinGen allele CA6905672.
Genomic context (GRCh38, chr13:20,663,515, plus strand): 5'-ACTGTGCCTATATTCTTTCCTAAATGTATATTTTACAATTTAGGTCTGCGTTTCTTAGTT[C>T]GTCTCTGCACAGATCTTGGATTAAAAGATGCTCAAGAATATGCCAGAAAACTGAAGAGGT-3'
Protein context (NP_006522.2, residues 686-706): ENVECLRFLV[Arg696Cys]LCTDLGLKDA

ClinVar aggregate classification (germline): Uncertain significance. Review status: criteria provided, multiple submitters, no conflicts (2 of 4 stars). 2 submissions from 2 submitters: Uncertain significance (2). Last evaluated 2026-07-22.

Conditions:
IFT88-related disorder. Also called: IFT88-related condition.

Allele frequency attached by ClinVar (database versions not stated): gnomAD exomes 0.00001; ExAC 0.00002; TOPMed 0.00003; gnomAD 0.00004.
gnomAD v4.1: 22 of 1,613,166 alleles (0.0014%); highest among the groups gnomAD compares: Admixed American, 0.0033%; no homozygotes.

Submissions (2):

PreventionGenetics, part of Exact Sciences
Classification: Uncertain significance for IFT88-related condition. Last evaluated: 2026-07-22. Review status: criteria provided, single submitter. Criteria: ACMG Guidelines, 2015. Collection method: clinical testing. Allele origin: germline.
Comment: The IFT88 c.2113C>T variant is predicted to result in the amino acid substitution p.Arg705Cys. To our knowledge, this variant has not been reported in the literature. This variant is reported in 0.0031% of alleles in individuals of European (Non-Finnish) descent in gnomAD. At this time, the clinical significance of this variant is uncertain due to the absence of conclusive functional and genetic evidence.

Labcorp Genetics (formerly Invitae), Labcorp
Classification: Uncertain significance. Last evaluated: 2025-06-24. Review status: criteria provided, single submitter. Criteria: Invitae Variant Classification Sherloc (09022015). Collection method: clinical testing. Allele origin: germline.
Comment: This sequence change replaces arginine, which is basic and polar, with cysteine, which is neutral and slightly polar, at codon 705 of the IFT88 protein (p.Arg705Cys). This variant is present in population databases (rs748181737, gnomAD 0.003%). This variant has not been reported in the literature in individuals affected with IFT88-related conditions. ClinVar contains an entry for this variant (Variation ID: 2074192). Experimental studies and prediction algorithms are not available or were not evaluated, and the functional significance of this variant is currently unknown. Algorithms developed to predict the effect of sequence changes on RNA splicing suggest that this variant may disrupt the consensus splice site. In summary, the available evidence is currently insufficient to determine the role of this variant in disease. Therefore, it has been classified as a Variant of Uncertain Significance.